The following is an entry in ClinVar:

NM_145698.5(ACBD5):c.422G>A (p.Arg141His)

Gene: ACBD5 (acyl-CoA binding domain containing 5; minus strand). Cytogenetic location: 10p12.1.
Variant type: single nucleotide variant.
Coding change: c.422G>A on transcript NM_145698.5 (MANE Select); coding-DNA position 422, G replaced by A.
Protein change: p.Arg141His; replaces arginine 141 with histidine.
Molecular consequence: missense variant.
Genome position (GRCh38, 1-based): chr10:27,223,406, C>T on the plus strand (G>A on the coding strand, the complement: ACBD5 is on the minus strand). VCF-style: chr10-27223406-C-T. GRCh37 (hg19) VCF-style: chr10-27512335-C-T.
Other names: c.317G>A, p.Arg106His (NM_001042473.4, NM_001352574.2, NM_001352575.2 and 6 more transcripts); c.416G>A, p.Arg139His (NM_001271512.3, NM_001352571.1, NM_001352586.1 and 1 more transcripts); c.95G>A, p.Arg32His (NM_001301251.2, NM_001301252.2, NM_001301253.2 and 4 more transcripts); c.443G>A, p.Arg148His (NM_001352568.1, NM_001352572.1); c.422G>A, p.Arg141His (NM_001352569.1, NM_001352570.1, NM_001352573.1 and 2 more transcripts); short protein forms R141H, R32H, R139H, R106H, R148H.
Identifiers: ClinVar variation 789440 (VCV000789440.14), dbSNP rs77955449, ClinGen allele CA5450958.
Genomic context (GRCh38, chr10:27,223,406, plus strand): 5'-ATATCAGAACTCCTGCCACTCTTTTTGTCCTCGACAATTTCATAAAATGGACCTATGACA[C>T]GCAGCAATTCTTCAACTTTCTCAGTCATTGGCATAGTTTCAATAATCTGTAATCAAAAGA-3'
Protein context (NP_663736.2, residues 131-151): PMTEKVEELL[Arg141His]VIGPFYEIVE

ClinVar aggregate classification (germline): Benign. Review status: criteria provided, multiple submitters, no conflicts (2 of 4 stars). 3 submissions from 3 submitters: Benign (2). 1 of the submissions does not count toward it. Last evaluated 2026-01-12.

Conditions:
ACBD5-related disorder. Also called: ACBD5-related condition.

Allele frequency attached by ClinVar (database versions not stated): TOPMed 0.00021; gnomAD 0.00029 and 0.00015; gnomAD exomes 0.00053; ExAC 0.00056; 1000 Genomes Project 30x 0.00141; 1000 Genomes Project 0.00180.

Submissions (3):

Labcorp Genetics (formerly Invitae), Labcorp
Classification: Benign. Last evaluated: 2026-01-12. Review status: criteria provided, single submitter. Criteria: Invitae Variant Classification Sherloc (09022015). Collection method: clinical testing. Allele origin: germline.

Breakthrough Genomics
Classification: Benign. Review status: criteria provided, single submitter. Criteria: ACMG Guidelines, 2015. Collection method: not provided. Allele origin: germline. Inheritance: Autosomal recessive inheritance. Affected: yes.

PreventionGenetics, part of Exact Sciences
Classification: Likely benign for ACBD5-related condition. Last evaluated: 2023-09-27. Review status: no assertion criteria provided. Collection method: clinical testing. Allele origin: germline. Not counted in ClinVar's aggregate classification.
Comment: This variant is classified as likely benign based on ACMG/AMP sequence variant interpretation guidelines (Richards et al. 2015 PMID: 25741868, with internal and published modifications).